The following is an entry in ClinVar:

NM_014000.3(VCL):c.2607G>C (p.Glu869Asp)

Gene: VCL (vinculin; plus strand). Cytogenetic location: 10q22.2.
Variant type: single nucleotide variant.
Coding change: c.2607G>C on transcript NM_014000.3 (MANE Select); coding-DNA position 2607, G replaced by C.
Protein change: p.Glu869Asp; replaces glutamic acid 869 with aspartic acid.
Molecular consequence: missense variant.
Genome position (GRCh38, 1-based): chr10:74,109,018, G>C. VCF-style: chr10-74109018-G-C. GRCh37 (hg19) VCF-style: chr10-75868776-G-C.
Other names: c.2607G>C, p.Glu869Asp (NM_003373.4); short protein forms E869D.
Identifiers: ClinVar variation 2500109 (VCV002500109.3), dbSNP rs2549234280, ClinGen allele CA377264174.

ClinVar aggregate classification (germline): Uncertain significance. Review status: criteria provided, multiple submitters, no conflicts (2 of 4 stars). 2 submissions from 2 submitters: Uncertain significance (2). Last evaluated 2026-05-27.

Conditions:
Cardiovascular phenotype. Identifiers: MedGen CN230736.
Hypertrophic cardiomyopathy 15. Identifiers: MedGen C2750459, MONDO:0013200, OMIM 613255.
Dilated cardiomyopathy 1W (CMD1W). Identifiers: Orphanet 154, MedGen C1969639, MONDO:0012667, OMIM 611407.

Submissions (2):

Ambry Genetics
Classification: Uncertain significance for Cardiovascular phenotype. Last evaluated: 2026-05-27. Review status: criteria provided, single submitter. Criteria: Ambry Variant Classification Scheme 2023. Collection method: clinical testing. Allele origin: germline.

Center for Genomics, Ann and Robert H. Lurie Children's Hospital of Chicago
Classification: Uncertain significance for Dilated cardiomyopathy 1W; Hypertrophic cardiomyopathy 15. Review status: criteria provided, single submitter. Criteria: ACMG Guidelines, 2015. Collection method: clinical testing. Allele origin: germline.
Comment: VCL NM_014000.2 exon 18 p.Glu869Asp (c.2607G>C):This variant has not been reported in the literature and is not present in large control databases. Evolutionary conservation and computational predictive tools suggest that this variant may impact the protein. In summary, data on this variant is insufficient for disease classification. Therefore, the clinical significance of this variant is uncertain.